The following is an entry in ClinVar:

ClinVar aggregate classification (germline): Likely pathogenic (1 of 4 stars; one submission).

Conditions:
Intellectual developmental disorder, X-linked, syndromic 34. Also called: Syndromic X-linked intellectual disability 34; MENTAL RETARDATION, X-LINKED, SYNDROMIC, MIRCSOF-LANGOUET TYPE. Identifiers: Orphanet 466791, MedGen C4225417, MONDO:0010501, OMIM 300967.

Submission:

Victorian Clinical Genetics Services, Murdoch Childrens Research Institute
Classification: Likely pathogenic for Intellectual developmental disorder, X-linked, syndromic 34. Last evaluated: 2023-07-16. Review status: criteria provided, single submitter. Criteria: ACMG Guidelines, 2015. Collection method: clinical testing. Allele origin: germline. Inheritance: X-linked recessive inheritance. Affected: yes.
Comment: Based on the classification scheme VCGS_Germline_v1.3.4, this variant is classified as Likely pathogenic. Following criteria are met: 0102 - Loss of function is a known mechanism of disease in this gene and is associated with X-linked syndromic intellectual developmental disorder 34 (MIM#300967). (I) 0109 - This gene is associated with X-linked recessive disease. (I) 0211 - Canonical splice site variant without proven consequence on splicing (no functional evidence available). (SP) 0253 - This variant is hemizygous. (I) 0301 - Variant is absent from gnomAD (both v2 and v3). (SP) 0505 - Abnormal splicing is predicted by in silico tools and affected nucleotide is highly conserved. (SP) 0705 - No comparable canonical splice site variants have previous evidence for pathogenicity. (I) 0807 - This variant has no previous evidence of pathogenicity. (I) 0905 - No published segregation evidence has been identified for this variant. (I) 1007 - No published functional evidence has been identified for this variant. (I) Legend: (SP) - Supporting pathogenic, (I) - Information, (SB) - Supporting benign

NM_007363.5(NONO):c.1132-1G>A

Gene: NONO (non-POU domain containing octamer binding; plus strand). Cytogenetic location: Xq13.1.
Variant type: single nucleotide variant.
Coding change: c.1132-1G>A on transcript NM_007363.5 (MANE Select); the canonical splice acceptor site of the intron before coding-DNA position 1132, G replaced by A.
Molecular consequence: splice acceptor variant.
Genome position (GRCh38, 1-based): chrX:71,298,468, G>A. VCF-style: chrX-71298468-G-A. GRCh37 (hg19) VCF-style: chrX-70518318-G-A.
Other names: c.1132-1G>A (NM_001145408.2, NM_001145409.2); c.865-1G>A (NM_001145410.2).
Identifiers: ClinVar variation 3254829 (VCV003254829.1), dbSNP rs2519896045.